The following is an entry in ClinVar:

NM_000260.4(MYO7A):c.3G>A (p.Met1Ile)

Gene: MYO7A (myosin VIIA; plus strand). Cytogenetic location: 11q13.5.
Variant type: single nucleotide variant.
Coding change: c.3G>A on transcript NM_000260.4 (MANE Select); coding-DNA position 3, G replaced by A.
Protein change: p.Met1Ile; changes the start codon (methionine 1).
Molecular consequence: missense variant, initiator codon variant. On other transcripts: 5 prime UTR variant (1).
Genome position (GRCh38, 1-based): chr11:77,130,637, G>A. VCF-style: chr11-77130637-G-A. GRCh37 (hg19) VCF-style: chr11-76841683-G-A.
Other names: c.3G>A, p.Met1Ile (NM_001127180.2); c.-111G>A (NM_001369365.1); short protein forms M1I.
Identifiers: ClinVar variation 553231 (VCV000553231.19), dbSNP rs782787126, ClinGen allele CA6196971.

ClinVar aggregate classification (germline): Pathogenic/Likely pathogenic. Review status: criteria provided, multiple submitters, no conflicts (2 of 4 stars). 9 submissions from 9 submitters: Pathogenic (1); Likely pathogenic (7). 1 of the submissions does not count toward it. Last evaluated 2026-08-06.

Conditions:
Usher syndrome type 1 (USH1). Also called: RETINITIS PIGMENTOSA AND CONGENITAL DEAFNESS. Identifiers: Orphanet 231169, Orphanet 886, MedGen C1568247, MONDO:0010168, OMIM 276900.
Autosomal recessive nonsyndromic hearing loss 2. Also called: DEAFNESS, AUTOSOMAL RECESSIVE 2; NEUROSENSORY NONSYNDROMIC RECESSIVE DEAFNESS 2. Identifiers: Orphanet 90636, MedGen C1838701, MONDO:0010807, OMIM 600060.
Meniere disease. Also called: Ménière's disease. Identifiers: MedGen C0025281, MONDO:0007972, OMIM 156000.
Autosomal dominant nonsyndromic hearing loss 11. Identifiers: Orphanet 90635, MedGen C1832475, MONDO:0011032, OMIM 601317.
Usher syndrome type 1B (USH1B). Also called: Usher syndrome type IB. Identifiers: MedGen C1848638, MONDO:0700087.
MYO7A-related disorder. Also called: MYO7A-related disorders.

Allele frequency attached by ClinVar (database versions not stated): ExAC 0.00001; gnomAD exomes 0.00002; TOPMed 0.00002.

Submissions (9):

OLLIN Analises Genomicas, OLLIN
Classification: Likely pathogenic for Autosomal dominant nonsyndromic hearing loss 11. Last evaluated: 2026-08-06. Review status: criteria provided, single submitter. Criteria: ACMG Guidelines 2015 PMID 25741868. Collection method: clinical testing. Allele origin: germline. Inheritance: Autosomal dominant inheritance.
Comment: This variant, located in exon 2 (of 49), has been reported in ClinVar (accession VCV000553231.17), in gnomAD with an allele frequency of 0.00043%, and in the scientific literature, in compound heterozygosity, in individuals with MYO7A related disorders (PMID: 30459346, 30303587). Another pathogenic variant affecting the same amino acid residue has been reported (PMID: 30303587). According to the currently available evidence, this variant has been classified as likely pathogenic (PVS1_M, PM2_P, PM3, PM5).

Natera, Inc.
Classification: Likely pathogenic for Usher syndrome type 1B. Last evaluated: 2025-10-06. Review status: criteria provided, single submitter. Criteria: Natera Variant Classification Schema (03/2026). Collection method: clinical testing. Allele origin: germline.
Comment: The c.3G>A variant in MYO7A is predicted to result in start loss due to disruption of the initiator methionine. This variant may result in a truncated or dysfunctional protein product. This variant is rare in the general population with a frequency below the threshold expected for the associated phenotype(s). This variant has been observed in one or more individuals affected with the associated recessive disease, as either homozygous or compound heterozygous with a second variant (PMID: 39629117). This variant has been observed in affected individual(s) with monoallelic occurrence (heterozygous/hemizygous) (PMID: 39629117, 34391192). This variant has been identified in one or more affected individual with a phenotype highly consistent with the associated gene (PMID: 37798099). Given the available evidence, this variant is classified as Likely Pathogenic.

PreventionGenetics, part of Exact Sciences
Classification: Likely pathogenic for MYO7A-related condition. Last evaluated: 2025-08-12. Review status: criteria provided, single submitter. Criteria: ACMG Guidelines, 2015. Collection method: clinical testing. Allele origin: germline.
Comment: The MYO7A c.3G>A variant is predicted to disrupt the translation initiation site (Start Loss). This variant has been reported in heterozygous state together with a likely pathogenic MYO7A variant in an individual with Usher-like disease (patient RP1567, Fuster-García et al. 2018. PubMed ID: 30459346). This variant was also reported in the heterozygous state in the absence of a second variant in three siblings with Meniere's disease, however this variant was absent in another sibling who was described as having vertigo only (Family 1 as Met1Ile, Roman-Naranjo et al. 2021. PubMed ID: 34391192). This variant is assessed as likely pathogenic or pathogenic in ClinVar by several submitters. This variant is reported in 0.012% of alleles in individuals of Latino descent in gnomAD. This variant is interpreted as likely pathogenic.

3billion
Classification: Likely pathogenic for Usher syndrome type 1. Last evaluated: 2025-06-18. Review status: criteria provided, single submitter. Criteria: ACMG Guidelines, 2015. Collection method: clinical testing. Allele origin: germline. Affected: yes.
Comment: The variant is observed at an extremely low frequency in the gnomAD v4.1.0 dataset (total allele frequency: <0.001%). Predicted Consequence/Location: Start-lost: reinitiation of translation may occur at a downstream alternate start codon but still result in a loss or disruption of normal protein function as there have been pathogenic variants reported upstream of the alternate start codon. Damaging effect on gene or gene product predicted by in silico programs is uncertain [REVEL: 0.68 (damaging >=0.6, benign <0.4), 3Cnet: 0.86 (damaging >0.75, benign <0.1)]. The variant has been reported at least twice as pathogenic without evidence for the classification (ClinVar ID: VCV000553231 /PMID: 30459346). Therefore, this variant is classified as Likely pathogenic according to the recommendation of ACMG/AMP guideline.

Labcorp Genetics (formerly Invitae), Labcorp
Classification: Pathogenic. Last evaluated: 2025-03-04. Review status: criteria provided, single submitter. Criteria: Invitae Variant Classification Sherloc (09022015). Collection method: clinical testing. Allele origin: germline.
Comment: This sequence change affects the initiator methionine of the MYO7A mRNA. The next in-frame methionine is located at codon 12. This variant is present in population databases (rs782787126, gnomAD 0.01%). Disruption of the initiator codon has been observed in individuals with autosomal recessive Usher syndrome or retinitis pigmentosa (PMID: 30459346; internal data). ClinVar contains an entry for this variant (Variation ID: 553231). This variant disrupts the p.Gly7 amino acid residue in MYO7A. Other variant(s) that disrupt this residue have been determined to be pathogenic (PMID: 30303587). This suggests that this residue is clinically significant, and that variants that disrupt this residue are likely to be disease-causing. For these reasons, this variant has been classified as Pathogenic.

Fulgent Genetics
Classification: Likely pathogenic for Usher syndrome type 1; Autosomal recessive nonsyndromic hearing loss 2; Autosomal dominant nonsyndromic hearing loss 11. Last evaluated: 2024-06-17. Review status: criteria provided, single submitter. Criteria: ACMG Guidelines, 2015. Collection method: clinical testing. Allele origin: germline.

Blueprint Genetics
Classification: Likely pathogenic for MYO7A-related disorders. Last evaluated: 2023-02-22. Review status: criteria provided, single submitter. Criteria: ACMG Guidelines, 2015. Collection method: clinical testing. Allele origin: germline. Affected: yes. Observed: 3 variant alleles.

Otology & Neurotology- Genomics of vestibular disorders (CTS-495), Jose Antonio López Escámez, Centro Pfizer - Universidad de Granada - Junta de Andalucía de Genómica e Investigación Oncológica (GENYO)
Classification: Likely pathogenic for Meniere disease. Last evaluated: 2020-12-14. Review status: criteria provided, single submitter. Criteria: ACMG Guidelines, 2015. Collection method: case-control. Allele origin: germline. Affected: yes. Observed: 3 heterozygotes. Clinical features observed: Sensorineural hearing loss (HP:0000407), Vertigo (HP:0002321), Tinnitus (HP:0000360).

Counsyl
Classification: Likely pathogenic for Usher syndrome type 1; Autosomal recessive nonsyndromic hearing loss 2. Last evaluated: 2017-08-08. Review status: no assertion criteria provided. Collection method: clinical testing. Allele origin: unknown. Not counted in ClinVar's aggregate classification.

Literature cited by the submitters: PubMed 30459346 (cited by 3 submitters); PubMed 30303587 (cited by OLLIN Analises Genomicas, OLLIN and Labcorp Genetics (formerly Invitae), Labcorp); PubMed 39629117 (cited by Natera, Inc.); PubMed 34391192 (cited by Natera, Inc.); PubMed 37798099 (cited by Natera, Inc.).